The following is an entry in ClinVar:

ClinVar aggregate classification (germline): Likely benign (0 of 4 stars; one submission).

Conditions:
PLXNA4-related disorder. Also called: PLXNA4-related condition.

Allele frequency attached by ClinVar (database versions not stated): gnomAD exomes 0.00001; ExAC 0.00002; TOPMed 0.00006; gnomAD 0.00009.
gnomAD v4.1: 36 of 1,613,778 alleles (0.0022%); highest among the groups gnomAD compares: African/African-American, 0.025%; no homozygotes.

Submission:

PreventionGenetics, part of Exact Sciences
Classification: Likely benign for PLXNA4-related condition. Last evaluated: 2022-04-14. Review status: no assertion criteria provided. Collection method: clinical testing. Allele origin: germline.
Comment: This variant is classified as likely benign based on ACMG/AMP sequence variant interpretation guidelines (Richards et al. 2015 PMID: 25741868, with internal and published modifications).

NM_020911.2(PLXNA4):c.3126C>T (p.Ile1042=)

Gene: PLXNA4 (plexin A4; minus strand). Cytogenetic location: 7q32.3.
Variant type: single nucleotide variant.
Coding change: c.3126C>T on transcript NM_020911.2 (MANE Select); coding-DNA position 3126, C replaced by T.
Protein change: p.Ile1042=; no amino-acid change (isoleucine 1042 retained).
Molecular consequence: synonymous variant.
Genome position (GRCh38, 1-based): chr7:132,185,331, G>A on the plus strand (C>T on the coding strand, the complement: PLXNA4 is on the minus strand). VCF-style: chr7-132185331-G-A. GRCh37 (hg19) VCF-style: chr7-131870090-G-A.
Other names: c.3126C>T, p.Ile1042= (NM_001393897.1).
Identifiers: ClinVar variation 3054665 (VCV003054665.2), dbSNP rs772829574, ClinGen allele CA4489607.